The following is an entry in ClinVar:

ClinVar aggregate classification (germline): Benign. Review status: criteria provided, multiple submitters, no conflicts (2 of 4 stars). 15 submissions from 13 submitters: Benign (12). 3 of the submissions do not count toward it. Last evaluated 2026-02-04.

Conditions:
Pontoneocerebellar hypoplasia. Also called: Pontocerebellar hypoplasia; Non-syndromic pontocerebellar hypoplasia. Identifiers: Orphanet 98523, MedGen C1261175, MONDO:0020135.
Pontocerebellar hypoplasia type 5 (PCH5). Also called: Pontocerebellar Hypoplasia Type 5 (PCH5). Identifiers: Orphanet 166068, MedGen C1857762, MONDO:0012438, OMIM 610204.
Pontocerebellar hypoplasia type 2A (PCH2A). Also called: PONTOCEREBELLAR HYPOPLASIA WITH PROGRESSIVE CEREBRAL ATROPHY; VOLENDAM NEURODEGENERATIVE DISEASE. Identifiers: Orphanet 2524, MedGen C1848526, MONDO:0010190, OMIM 277470.
Pontocerebellar hypoplasia type 4 (PCH4). Also called: Pontocerebellar Hypoplasia Type 4 (PCH4). Identifiers: Orphanet 166063, MedGen C1856974, MONDO:0009166, OMIM 225753.

Allele frequency attached by ClinVar (database versions not stated): gnomAD exomes 0.75962; gnomAD 0.60248; 1000 Genomes Project 30x 0.53545; 1000 Genomes Project 0.54373; TOPMed 0.56626.
gnomAD v4.1: 784,247 of 1,149,816 alleles (68%); highest among the groups gnomAD compares: Non-Finnish European, 71%; 271,174 homozygotes.

Submissions (15):

Labcorp Genetics (formerly Invitae), Labcorp
Classification: Benign. Last evaluated: 2026-02-04. Review status: criteria provided, single submitter. Criteria: Invitae Variant Classification Sherloc (09022015). Collection method: clinical testing. Allele origin: germline.

Blueprint Genetics
Classification: Benign. Last evaluated: 2024-11-28. Review status: criteria provided, single submitter. Criteria: ACMG Guidelines, 2015. Collection method: clinical testing. Allele origin: germline.

Genome-Nilou Lab
Classification: Benign for Pontocerebellar hypoplasia type 5. Last evaluated: 2021-09-10. Review status: criteria provided, single submitter. Criteria: ACMG Guidelines, 2015. Collection method: clinical testing. Allele origin: germline. Affected: no.

Genome-Nilou Lab
Classification: Benign for Pontocerebellar hypoplasia type 2A. Last evaluated: 2021-09-10. Review status: criteria provided, single submitter. Criteria: ACMG Guidelines, 2015. Collection method: clinical testing. Allele origin: germline. Affected: no.

Genome-Nilou Lab
Classification: Benign for Pontocerebellar hypoplasia type 4. Last evaluated: 2021-09-10. Review status: criteria provided, single submitter. Criteria: ACMG Guidelines, 2015. Collection method: clinical testing. Allele origin: germline. Affected: no.

Eurofins Ntd Llc (ga)
Classification: Benign. Last evaluated: 2018-03-22. Review status: criteria provided, single submitter. Criteria: EGL ClinVar v180209 classification definitions. Collection method: clinical testing. Allele origin: germline. Observed: 491 variant alleles, 305 heterozygotes, 187 homozygotes.

Illumina Laboratory Services, Illumina
Classification: Benign for Pontoneocerebellar hypoplasia. Last evaluated: 2018-01-13. Review status: criteria provided, single submitter. Criteria: ICSL Variant Classification Criteria 13 December 2019. Collection method: clinical testing. Allele origin: germline.
Comment: This variant was observed in the ICSL laboratory as part of a predisposition screen in an ostensibly healthy population. It had not been previously curated by ICSL or reported in the Human Gene Mutation Database (HGMD: prior to June 1st, 2018), and was therefore a candidate for classification through an automated scoring system. Utilizing variant allele frequency, disease prevalence and penetrance estimates, and inheritance mode, an automated score was calculated to assess if this variant is too frequent to cause the disease. Based on the score and internal cut-off values, a variant classified as benign is not then subjected to further curation. The score for this variant resulted in a classification of benign for this disease.

Athena Diagnostics
Classification: Benign. Last evaluated: 2017-06-14. Review status: criteria provided, single submitter. Criteria: Athena Diagnostics Criteria. Collection method: clinical testing. Allele origin: germline.

GeneDx
Classification: Benign. Last evaluated: 2015-03-03. Review status: criteria provided, single submitter. Criteria: GeneDx Variant Classification Process June 2021. Collection method: clinical testing. Allele origin: germline. Affected: yes.

Genetic Services Laboratory, University of Chicago
Classification: Benign. Last evaluated: 2014-07-24. Review status: criteria provided, single submitter. Criteria: ACMG Guidelines, 2015. Collection method: clinical testing. Allele origin: germline. Inheritance: Autosomal recessive inheritance.

Breakthrough Genomics
Classification: Benign. Review status: criteria provided, single submitter. Criteria: ACMG Guidelines, 2015. Collection method: not provided. Allele origin: germline. Inheritance: Autosomal recessive inheritance. Affected: yes.

PreventionGenetics, part of Exact Sciences
Classification: Benign. Review status: criteria provided, single submitter. Criteria: ACMG Guidelines, 2015. Collection method: clinical testing. Allele origin: germline.

Clinical Genetics, Academic Medical Center
Classification: Benign. Review status: no assertion criteria provided. Collection method: clinical testing. Allele origin: germline. Affected: yes. Study: VKGL Data-share Consensus. Not counted in ClinVar's aggregate classification.

Genome Diagnostics Laboratory, University Medical Center Utrecht
Classification: Benign. Review status: no assertion criteria provided. Collection method: clinical testing. Allele origin: germline. Affected: yes. Study: VKGL Data-share Consensus. Not counted in ClinVar's aggregate classification.

Joint Genome Diagnostic Labs from Nijmegen and Maastricht, Radboudumc and MUMC+
Classification: Benign. Review status: no assertion criteria provided. Collection method: clinical testing. Allele origin: germline. Affected: yes. Study: VKGL Data-share Consensus. Not counted in ClinVar's aggregate classification.

NM_207346.3(TSEN54):c.12G>T (p.Glu4Asp)

Genes: TSEN54 (tRNA splicing endonuclease subunit 54; plus strand), LOC112533671 (Sharpr-MPRA regulatory region 12010; plus strand). Cytogenetic location: 17q25.1.
Variant type: single nucleotide variant.
Coding change: c.12G>T on transcript NM_207346.3 (MANE Select); coding-DNA position 12, G replaced by T.
Protein change: p.Glu4Asp; replaces glutamic acid 4 with aspartic acid.
Molecular consequence: missense variant.
Genome position (GRCh38, 1-based): chr17:75,516,572, G>T. VCF-style: chr17-75516572-G-T. GRCh37 (hg19) VCF-style: chr17-73512653-G-T.
Other names: short protein forms E4D.
Identifiers: ClinVar variation 96673 (VCV000096673.33), dbSNP rs7216673, ClinGen allele CA149660.